The following is an entry in ClinVar:

NM_152296.5(ATP1A3):c.1214C>T (p.Ser405Leu)

Gene: ATP1A3 (ATPase Na+/K+ transporting subunit alpha 3; minus strand). Cytogenetic location: 19q13.2.
Variant type: single nucleotide variant.
Coding change: c.1214C>T on transcript NM_152296.5 (MANE Select); coding-DNA position 1214, C replaced by T.
Protein change: p.Ser405Leu; replaces serine 405 with leucine.
Molecular consequence: missense variant.
Genome position (GRCh38, 1-based): chr19:41,981,810, G>A on the plus strand (C>T on the coding strand, the complement: ATP1A3 is on the minus strand). VCF-style: chr19-41981810-G-A. GRCh37 (hg19) VCF-style: chr19-42485962-G-A.
Other names: c.1247C>T, p.Ser416Leu (NM_001256213.2); c.1253C>T, p.Ser418Leu (NM_001256214.2); short protein forms S405L, S416L, S418L.
Identifiers: ClinVar variation 1326066 (VCV001326066.3), dbSNP rs368489500, ClinGen allele CA9467691.

ClinVar aggregate classification (germline): Uncertain significance. Review status: criteria provided, multiple submitters, no conflicts (2 of 4 stars). 2 submissions from 2 submitters: Uncertain significance (2). Last evaluated 2025-02-16.

Allele frequency attached by ClinVar (database versions not stated): gnomAD exomes below 0.00001; TOPMed below 0.00001; ExAC 0.00001; ESP Exome Variant Server 0.00008.

Submissions (2):

Laboratory of Genetics, Children's Clinical University Hospital Latvia
Classification: Uncertain significance. Last evaluated: 2025-02-16. Review status: criteria provided, single submitter. Criteria: ACMG Guidelines, 2015. Collection method: clinical testing. Allele origin: germline. Affected: yes.

GeneDx
Classification: Uncertain significance. Last evaluated: 2021-05-21. Review status: criteria provided, single submitter. Criteria: GeneDx Variant Classification Process June 2021. Collection method: clinical testing. Allele origin: germline. Affected: yes.
Comment: Not observed at a significant frequency in large population cohorts (Lek et al., 2016); In silico analysis supports that this missense variant has a deleterious effect on protein structure/function; Has not been previously published as pathogenic or benign to our knowledge